The following is an entry in ClinVar:

NM_030962.4(SBF2):c.20_21del (p.Tyr7fs)

Genes: SBF2 (SET binding factor 2; minus strand), LOC130005303 (ATAC-STARR-seq lymphoblastoid silent region 3141; plus strand). Cytogenetic location: 11p15.4.
Variant type: Deletion.
Coding change: c.20_21del on transcript NM_030962.4 (MANE Select); coding-DNA positions 20 to 21, 2 bases deleted (AC; older notation c.20_21delAC).
Protein change: p.Tyr7fs; shifts the reading frame from tyrosine 7.
Molecular consequence: frameshift variant.
Genome position (GRCh38, 1-based): chr11:10,294,049-10,294,050, GT deleted on the plus strand (AC on the coding strand, the reverse complement: SBF2 is on the minus strand). VCF-style (leftmost placement, unchanged base first): chr11-10294048-AGT-A. GRCh37 (hg19) VCF-style: chr11-10315595-AGT-A.
Other names: c.20_21del, p.Tyr7fs (NM_001386339.1, NM_001386342.1); c.20_21delAC (NM_030962.3); short protein forms Y7fs.
Identifiers: ClinVar variation 574817 (VCV000574817.7), dbSNP rs1270869520, ClinGen allele CA670870167.

ClinVar aggregate classification (germline): Pathogenic (1 of 4 stars; one submission).

Conditions:
Charcot-Marie-Tooth disease type 4. Also called: Charcot-Marie-Tooth disease, type IV; Charcot-Marie-Tooth, Type 4. Identifiers: Orphanet 64749, MedGen C4082197, MONDO:0018995.

Allele frequency attached by ClinVar (database versions not stated): TOPMed below 0.00001; gnomAD 0.00001.

Submission:

Labcorp Genetics (formerly Invitae), Labcorp
Classification: Pathogenic for Charcot-Marie-Tooth disease type 4. Last evaluated: 2018-05-30. Review status: criteria provided, single submitter. Criteria: Invitae Variant Classification Sherloc (09022015). Collection method: clinical testing. Allele origin: germline.
Comment: This variant has not been reported in the literature in individuals with SBF2-related disease. While this variant is not present in population databases, the frequency information is unreliable, as metrics indicate poor data quality at this position in the ExAC database. This sequence change creates a premature translational stop signal (p.Tyr7Phefs*7) in the SBF2 gene. It is expected to result in an absent or disrupted protein product. Loss-of-function variants in SBF2 are known to be pathogenic (PMID: 12687498, 25873783). For these reasons, this variant has been classified as Pathogenic.

Literature cited by the submitters: PubMed 12687498; PubMed 25873783.